The following is an entry in ClinVar:

NM_021098.3(CACNA1H):c.183G>C (p.Glu61Asp)

Gene: CACNA1H (calcium voltage-gated channel subunit alpha1 H; plus strand). Cytogenetic location: 16p13.3.
Variant type: single nucleotide variant.
Coding change: c.183G>C on transcript NM_021098.3 (MANE Select); coding-DNA position 183, G replaced by C.
Protein change: p.Glu61Asp; replaces glutamic acid 61 with aspartic acid.
Molecular consequence: missense variant.
Genome position (GRCh38, 1-based): chr16:1,153,920, G>C. VCF-style: chr16-1153920-G-C. GRCh37 (hg19) VCF-style: chr16-1203920-G-C.
Other names: c.183G>C, p.Glu61Asp (NM_001005407.2); short protein forms E61D.
Identifiers: ClinVar variation 3365427 (VCV003365427.1).

ClinVar aggregate classification (germline): Uncertain significance (1 of 4 stars; one submission).

Submission:

GeneDx
Classification: Uncertain significance. Last evaluated: 2023-12-13. Review status: criteria provided, single submitter. Criteria: GeneDx Variant Classification Process June 2021. Collection method: clinical testing. Allele origin: germline. Affected: yes.
Comment: Not observed at significant frequency in large population cohorts (gnomAD); In silico analysis supports that this missense variant does not alter protein structure/function; Has not been previously published as pathogenic or benign to our knowledge